The following is an entry in ClinVar:

ClinVar aggregate classification (germline): Uncertain significance (1 of 4 stars; one submission).

Conditions:
Retinitis pigmentosa 59 (RP59). Identifiers: Orphanet 791, MedGen C3151227, MONDO:0013468, OMIM 613861.

Submission:

Labcorp Genetics (formerly Invitae), Labcorp
Classification: Uncertain significance for Retinitis pigmentosa 59. Last evaluated: 2025-11-03. Review status: criteria provided, single submitter. Criteria: Invitae Variant Classification Sherloc (09022015). Collection method: clinical testing. Allele origin: germline.
Comment: This sequence change replaces glutamine, which is neutral and polar, with arginine, which is basic and polar, at codon 112 of the DHDDS protein (p.Gln112Arg). This variant is not present in population databases (gnomAD no frequency). This variant has not been reported in the literature in individuals affected with DHDDS-related conditions. Invitae Evidence Modeling of protein sequence and biophysical properties (such as structural, functional, and spatial information, amino acid conservation, physicochemical variation, residue mobility, and thermodynamic stability) indicates that this missense variant is not expected to disrupt DHDDS protein function with a negative predictive value of 80%. In summary, the available evidence is currently insufficient to determine the role of this variant in disease. Therefore, it has been classified as a Variant of Uncertain Significance.

NM_205861.3(DHDDS):c.335A>G (p.Gln112Arg)

Gene: DHDDS (dehydrodolichyl diphosphate synthase subunit; plus strand). Cytogenetic location: 1p36.11.
Variant type: single nucleotide variant.
Coding change: c.335A>G on transcript NM_205861.3 (MANE Select); coding-DNA position 335, A replaced by G.
Protein change: p.Gln112Arg; replaces glutamine 112 with arginine.
Molecular consequence: missense variant. On other transcripts: intron variant (1).
Genome position (GRCh38, 1-based): chr1:26,446,327, A>G. VCF-style: chr1-26446327-A-G. GRCh37 (hg19) VCF-style: chr1-26772818-A-G.
Other names: c.335A>G, p.Gln112Arg (NM_001243564.2, NM_024887.4); c.56A>G, p.Gln19Arg (NM_001319959.2); c.324-1232A>G (NM_001243565.2); short protein forms Q19R, Q112R.
Identifiers: ClinVar variation 4694165 (VCV004694165.1).
Genomic context (GRCh38, chr1:26,446,327, plus strand): 5'-CCAGCTCAGCAGGGGCCCTATCCCAATGCTGCCTCTTTTCCCTGATCAGGGAGAAACTGC[A>G]GAAGCATGGGGTGTGTATCCGGGTCCTGGGCGATCTGCACTTGTTGCCCTTGGATCTCCA-3'
Protein context (NP_995583.1, residues 102-122): SRLMEEKEKL[Gln112Arg]KHGVCIRVLG